The following is an entry in ClinVar:

NM_004304.5(ALK):c.3464T>C (p.Val1155Ala)

Gene: ALK (ALK receptor tyrosine kinase; minus strand). Cytogenetic location: 2p23.2.
Variant type: single nucleotide variant.
Coding change: c.3464T>C on transcript NM_004304.5 (MANE Select); coding-DNA position 3464, T replaced by C.
Protein change: p.Val1155Ala; replaces valine 1155 with alanine.
Molecular consequence: missense variant.
Genome position (GRCh38, 1-based): chr2:29,222,395, A>G on the plus strand (T>C on the coding strand, the complement: ALK is on the minus strand). VCF-style: chr2-29222395-A-G. GRCh37 (hg19) VCF-style: chr2-29445261-A-G.
Other names: c.260T>C, p.Val87Ala (NM_001353765.2); c.3464T>C (NM_004304.4); short protein forms V87A, V1155A.
Identifiers: ClinVar variation 1036856 (VCV001036856.9), dbSNP rs1669827315, ClinGen allele CA346463253.

ClinVar aggregate classification (germline): Uncertain significance. Review status: criteria provided, multiple submitters, no conflicts (2 of 4 stars). 2 submissions from 2 submitters: Uncertain significance (2). Last evaluated 2025-12-07.

Conditions:
Hereditary cancer-predisposing syndrome. Also called: Neoplastic Syndromes, Hereditary; Hereditary Cancer Syndrome; Tumor predisposition; Hereditary neoplastic syndrome. Identifiers: Orphanet 140162, MedGen C0027672, MeSH D009386, MONDO:0015356.
Neuroblastoma, susceptibility to, 3. Also called: ALK-Related Neuroblastic Tumor Susceptibility. Identifiers: Orphanet 635, MedGen C2751681, MONDO:0013083, OMIM 613014.

Allele frequency attached by ClinVar (database versions not stated): gnomAD exomes below 0.00001.
gnomAD v4.1: 3 of 1,614,044 alleles (0.00019%); highest among the groups gnomAD compares: African/African-American, 0.0013%; no homozygotes.

Submissions (2):

Ambry Genetics
Classification: Uncertain significance for Hereditary cancer-predisposing syndrome. Last evaluated: 2025-12-07. Review status: criteria provided, single submitter. Criteria: Ambry Variant Classification Scheme 2023. Collection method: clinical testing. Allele origin: germline.
Comment: The p.V1155A variant (also known as c.3464T>C), located in coding exon 22 of the ALK gene, results from a T to C substitution at nucleotide position 3464. The valine at codon 1155 is replaced by alanine, an amino acid with similar properties. This amino acid position is conserved. In addition, the in silico prediction for this alteration is inconclusive. Based on the available evidence, the clinical significance of this variant remains unclear.

Labcorp Genetics (formerly Invitae), Labcorp
Classification: Uncertain significance for Neuroblastoma, susceptibility to, 3. Last evaluated: 2022-03-01. Review status: criteria provided, single submitter. Criteria: Invitae Variant Classification Sherloc (09022015). Collection method: clinical testing. Allele origin: germline.
Comment: Algorithms developed to predict the effect of missense changes on protein structure and function (SIFT, PolyPhen-2, Align-GVGD) all suggest that this variant is likely to be disruptive. In summary, the available evidence is currently insufficient to determine the role of this variant in disease. Therefore, it has been classified as a Variant of Uncertain Significance. ClinVar contains an entry for this variant (Variation ID: 1036856). This variant has not been reported in the literature in individuals affected with ALK-related conditions. This variant is not present in population databases (gnomAD no frequency). This sequence change replaces valine, which is neutral and non-polar, with alanine, which is neutral and non-polar, at codon 1155 of the ALK protein (p.Val1155Ala).